The following is an entry in ClinVar:

ClinVar aggregate classification (germline): Uncertain significance (1 of 4 stars; one submission).

Submission:

Labcorp Genetics (formerly Invitae), Labcorp
Classification: Uncertain significance. Last evaluated: 2022-11-17. Review status: criteria provided, single submitter. Criteria: Invitae Variant Classification Sherloc (09022015). Collection method: clinical testing. Allele origin: germline.
Comment: This sequence change replaces glutamic acid, which is acidic and polar, with aspartic acid, which is acidic and polar, at codon 1427 of the RAI1 protein (p.Glu1427Asp). This variant is not present in population databases (gnomAD no frequency). In summary, the available evidence is currently insufficient to determine the role of this variant in disease. Therefore, it has been classified as a Variant of Uncertain Significance. Advanced modeling of protein sequence and biophysical properties (such as structural, functional, and spatial information, amino acid conservation, physicochemical variation, residue mobility, and thermodynamic stability) performed at Invitae indicates that this missense variant is not expected to disrupt RAI1 protein function. This variant has not been reported in the literature in individuals affected with RAI1-related conditions.

NM_030665.4(RAI1):c.4281G>T (p.Glu1427Asp)

Gene: RAI1 (retinoic acid induced 1; plus strand). Cytogenetic location: 17p11.2.
Variant type: single nucleotide variant.
Coding change: c.4281G>T on transcript NM_030665.4 (MANE Select); coding-DNA position 4281, G replaced by T.
Protein change: p.Glu1427Asp; replaces glutamic acid 1427 with aspartic acid.
Molecular consequence: missense variant.
Genome position (GRCh38, 1-based): chr17:17,797,229, G>T. VCF-style: chr17-17797229-G-T. GRCh37 (hg19) VCF-style: chr17-17700543-G-T.
Other names: short protein forms E1427D.
Identifiers: ClinVar variation 2814858 (VCV002814858.3), dbSNP rs751274236, ClinGen allele CA398556298.